The following is an entry in ClinVar:

ClinVar aggregate classification (germline): Conflicting classifications of pathogenicity. Review status: criteria provided, conflicting classifications (1 of 4 stars). 3 submissions from 3 submitters: Uncertain significance (2); Likely benign (1). Last evaluated 2025-11-03.

Allele frequency attached by ClinVar (database versions not stated): 1000 Genomes Project 30x 0.00016; gnomAD 0.00025 and 0.00024; TOPMed 0.00041; ExAC 0.00001; gnomAD exomes 0.00003; 1000 Genomes Project 0.00020.
gnomAD v4.1: 59 of 1,614,238 alleles (0.0037%); highest among the groups gnomAD compares: Admixed American, 0.087%; no homozygotes.

Submissions (3):

Ambry Genetics
Classification: Uncertain significance. Last evaluated: 2025-11-03. Review status: criteria provided, single submitter. Criteria: Ambry Variant Classification Scheme 2023. Collection method: clinical testing. Allele origin: germline.

GeneDx
Classification: Likely benign. Last evaluated: 2018-09-19. Review status: criteria provided, single submitter. Criteria: GeneDx Variant Classification (06012015). Collection method: clinical testing. Allele origin: germline. Affected: yes.
Comment: This variant is considered likely benign or benign based on one or more of the following criteria: it is a conservative change, it occurs at a poorly conserved position in the protein, it is predicted to be benign by multiple in silico algorithms, and/or has population frequency not consistent with disease.

Laboratory for Molecular Medicine, Mass General Brigham Personalized Medicine
Classification: Uncertain significance. Last evaluated: 2014-05-11. Review status: criteria provided, single submitter. Criteria: LMM Criteria. Collection method: clinical testing. Allele origin: germline. Observed: 1 variant allele.
Comment: The Ser556Phe variant in MYO1A has not been previously reported in individuals w ith hearing loss and was absent from large population studies. Computational pr ediction tools and conservation analyses do not provide strong support for or ag ainst an impact to the protein. In summary, the clinical significance of the Ser 556Phe variant is uncertain.

NM_005379.4(MYO1A):c.1667C>T (p.Ser556Phe)

Gene: MYO1A (myosin IA; minus strand). Cytogenetic location: 12q13.3.
Variant type: single nucleotide variant.
Coding change: c.1667C>T on transcript NM_005379.4 (MANE Select); coding-DNA position 1667, C replaced by T.
Protein change: p.Ser556Phe; replaces serine 556 with phenylalanine.
Molecular consequence: missense variant.
Genome position (GRCh38, 1-based): chr12:57,038,505, G>A on the plus strand (C>T on the coding strand, the complement: MYO1A is on the minus strand). VCF-style: chr12-57038505-G-A. GRCh37 (hg19) VCF-style: chr12-57432289-G-A.
Other names: c.1667C>T, p.Ser556Phe (NM_001256041.2); short protein forms S556F.
Identifiers: ClinVar variation 164593 (VCV000164593.7), dbSNP rs571906190, ClinGen allele CA177311.